The following is an entry in ClinVar:

ClinVar aggregate classification (germline): Uncertain significance (1 of 4 stars; one submission).

Submission:

Labcorp Genetics (formerly Invitae), Labcorp
Classification: Uncertain significance. Last evaluated: 2022-07-21. Review status: criteria provided, single submitter. Criteria: Invitae Variant Classification Sherloc (09022015). Collection method: clinical testing. Allele origin: germline.
Comment: This variant has not been reported in the literature in individuals affected with POLE-related conditions. This variant is not present in population databases (gnomAD no frequency). This sequence change replaces aspartic acid, which is acidic and polar, with glycine, which is neutral and non-polar, at codon 2134 of the POLE protein (p.Asp2134Gly). Algorithms developed to predict the effect of missense changes on protein structure and function output the following: SIFT: "Tolerated"; PolyPhen-2: "Benign"; Align-GVGD: "Class C0". The glycine amino acid residue is found in multiple mammalian species, which suggests that this missense change does not adversely affect protein function. In summary, the available evidence is currently insufficient to determine the role of this variant in disease. Therefore, it has been classified as a Variant of Uncertain Significance.

NM_006231.4(POLE):c.6401A>G (p.Asp2134Gly)

Gene: POLE (DNA polymerase epsilon, catalytic subunit; minus strand). Cytogenetic location: 12q24.33.
Variant type: single nucleotide variant.
Coding change: c.6401A>G on transcript NM_006231.4 (MANE Select); coding-DNA position 6401, A replaced by G.
Protein change: p.Asp2134Gly; replaces aspartic acid 2134 with glycine.
Molecular consequence: missense variant.
Genome position (GRCh38, 1-based): chr12:132,626,247, T>C on the plus strand (A>G on the coding strand, the complement: POLE is on the minus strand). VCF-style: chr12-132626247-T-C. GRCh37 (hg19) VCF-style: chr12-133202833-T-C.
Other names: short protein forms D2134G.
Identifiers: ClinVar variation 2139127 (VCV002139127.4), dbSNP rs2041837520, ClinGen allele CA387367686.